The following is an entry in ClinVar:

ClinVar aggregate classification (germline): Conflicting classifications of pathogenicity. Review status: criteria provided, conflicting classifications (1 of 4 stars). 6 submissions from 4 submitters: Uncertain significance (2); Benign (1); Likely benign (3). Last evaluated 2026-01-20.

Conditions:
Leber congenital amaurosis 8 (LCA8). Identifiers: Orphanet 65, MedGen C3151202, MONDO:0013453, OMIM 613835.
Retinitis pigmentosa 12 (RP12). Also called: RP WITH OR WITHOUT PRESERVED PARAARTERIOLE RETINAL PIGMENT EPITHELIUM; RETINITIS PIGMENTOSA WITH OR WITHOUT PARAARTERIOLAR PRESERVATION OF RETINAL PIGMENT EPITHELIUM; RP WITH OR WITHOUT PPRPE. Identifiers: Orphanet 791, MedGen C1838647, MONDO:0010818, OMIM 600105.
Retinitis pigmentosa (RP). Identifiers: Orphanet 791, MedGen C0035334, MeSH D012174, MONDO:0019200, OMIM 268000. Inheritance: Autosomal dominant, autosomal recessive and X linked inheritance.
CRB1-related disorder. Also called: CRB1-related condition; CRB1-related disorders.
Pigmented paravenous retinochoroidal atrophy. Identifiers: Orphanet 251295, MedGen C1868310, MONDO:0008246, OMIM 172870.

Allele frequency attached by ClinVar (database versions not stated): gnomAD 0.00002 and 0.00005; gnomAD exomes 0.00002 and 0.00012; TOPMed 0.00002; ExAC 0.00008; 1000 Genomes Project 30x 0.00078; 1000 Genomes Project 0.00080.
gnomAD v4.1: 33 of 1,614,196 alleles (0.002%); highest among the groups gnomAD compares: East Asian, 0.071%; no homozygotes.

Submissions (6):

Labcorp Genetics (formerly Invitae), Labcorp
Classification: Likely benign for Leber congenital amaurosis 8; Retinitis pigmentosa 12. Last evaluated: 2026-01-20. Review status: criteria provided, single submitter. Criteria: Invitae Variant Classification Sherloc (09022015). Collection method: clinical testing. Allele origin: germline.

PreventionGenetics, part of Exact Sciences
Classification: Likely benign for CRB1-related condition. Last evaluated: 2025-10-13. Review status: criteria provided, single submitter. Criteria: ACMG Guidelines, 2015. Collection method: clinical testing. Allele origin: germline.
Comment: This variant is classified as likely benign based on ACMG/AMP sequence variant interpretation guidelines (Richards et al. 2015 PMID: 25741868, with internal and published modifications).

Blueprint Genetics
Classification: Likely benign. Last evaluated: 2024-01-18. Review status: criteria provided, single submitter. Criteria: ACMG Guidelines, 2015. Collection method: clinical testing. Allele origin: germline.

Illumina Laboratory Services, Illumina
Classification: Uncertain significance for Leber congenital amaurosis 8. Last evaluated: 2018-01-12. Review status: criteria provided, single submitter. Criteria: ICSL Variant Classification Criteria 13 December 2019. Collection method: clinical testing. Allele origin: germline.

Illumina Laboratory Services, Illumina
Classification: Uncertain significance for Retinitis pigmentosa. Last evaluated: 2018-01-12. Review status: criteria provided, single submitter. Criteria: ICSL Variant Classification Criteria 13 December 2019. Collection method: clinical testing. Allele origin: germline.

Illumina Laboratory Services, Illumina
Classification: Benign for Pigmented paravenous retinochoroidal atrophy. Last evaluated: 2018-01-12. Review status: criteria provided, single submitter. Criteria: ICSL Variant Classification Criteria 13 December 2019. Collection method: clinical testing. Allele origin: germline.
Comment: This variant was observed in the ICSL laboratory as part of a predisposition screen in an ostensibly healthy population. It had not been previously curated by ICSL or reported in the Human Gene Mutation Database (HGMD: prior to June 1st, 2018), and was therefore a candidate for classification through an automated scoring system. Utilizing variant allele frequency, disease prevalence and penetrance estimates, and inheritance mode, an automated score was calculated to assess if this variant is too frequent to cause the disease. Based on the score and internal cut-off values, a variant classified as benign is not then subjected to further curation. The score for this variant resulted in a classification of benign for this disease.

NM_201253.3(CRB1):c.2010T>C (p.Cys670=)

Gene: CRB1 (crumbs cell polarity complex component 1; plus strand). Cytogenetic location: 1q31.3.
Variant type: single nucleotide variant.
Coding change: c.2010T>C on transcript NM_201253.3 (MANE Select); coding-DNA position 2010, T replaced by C.
Protein change: p.Cys670=; no amino-acid change (cysteine 670 retained).
Molecular consequence: synonymous variant. On other transcripts: non-coding transcript variant (2).
Genome position (GRCh38, 1-based): chr1:197,421,838, T>C. VCF-style: chr1-197421838-T-C. GRCh37 (hg19) VCF-style: chr1-197390968-T-C.
Other names: c.1674T>C, p.Cys558= (NM_001193640.2); c.1803T>C, p.Cys601= (NM_001257965.2); c.2010T>C, p.Cys670= (NM_001257966.2).
Identifiers: ClinVar variation 294673 (VCV000294673.15), dbSNP rs201949837, ClinGen allele CA1312017.
Genomic context (GRCh38, chr1:197,421,838, plus strand): 5'-GAATCACATTACCCTGGAGAACATCTCGTCTGGCTCATCATTAAATGTCAAGGCAGGCTG[T>C]GTGAGAAAGGATTGGTGTGAAAGCCAACCTTGTCAAAGCAGAGGACGCTGCATCAACTTG-3'
Protein context (NP_957705.1, residues 660-680): SGSSLNVKAG[Cys670=]VRKDWCESQP